The following is an entry in ClinVar:

ClinVar aggregate classification (germline): Uncertain significance (1 of 4 stars; one submission).

Conditions:
Duchenne muscular dystrophy (DMD). Also called: MUSCULAR DYSTROPHY, PSEUDOHYPERTROPHIC PROGRESSIVE, DUCHENNE TYPE; Duchenne Muscular Dystrophy (DMD). Identifiers: Orphanet 98896, MedGen C0013264, MONDO:0010679, OMIM 310200.

Allele frequency attached by ClinVar (database versions not stated): TOPMed 0.00002.

Submission:

Labcorp Genetics (formerly Invitae), Labcorp
Classification: Uncertain significance for Duchenne muscular dystrophy. Last evaluated: 2023-11-17. Review status: criteria provided, single submitter. Criteria: Invitae Variant Classification Sherloc (09022015). Collection method: clinical testing. Allele origin: germline.
Comment: This sequence change replaces phenylalanine, which is neutral and non-polar, with serine, which is neutral and polar, at codon 1684 of the DMD protein (p.Phe1684Ser). This variant is not present in population databases (gnomAD no frequency). This variant has not been reported in the literature in individuals affected with DMD-related conditions. Advanced modeling of protein sequence and biophysical properties (such as structural, functional, and spatial information, amino acid conservation, physicochemical variation, residue mobility, and thermodynamic stability) performed at Invitae indicates that this missense variant is not expected to disrupt DMD protein function with a negative predictive value of 95%. In summary, the available evidence is currently insufficient to determine the role of this variant in disease. Therefore, it has been classified as a Variant of Uncertain Significance.

NM_004006.3(DMD):c.5051T>C (p.Phe1684Ser)

Gene: DMD (dystrophin; minus strand). Cytogenetic location: Xp21.1.
Variant type: single nucleotide variant.
Coding change: c.5051T>C on transcript NM_004006.3 (MANE Select); coding-DNA position 5051, T replaced by C.
Protein change: p.Phe1684Ser; replaces phenylalanine 1684 with serine.
Molecular consequence: missense variant.
Genome position (GRCh38, 1-based): chrX:32,364,685, A>G on the plus strand (T>C on the coding strand, the complement: DMD is on the minus strand). VCF-style: chrX-32364685-A-G. GRCh37 (hg19) VCF-style: chrX-32382802-A-G.
Other names: c.5027T>C, p.Phe1676Ser (NM_000109.4); c.5039T>C, p.Phe1680Ser (NM_004009.3); c.4682T>C, p.Phe1561Ser (NM_004010.3); c.1028T>C, p.Phe343Ser (NM_004011.4); c.1019T>C, p.Phe340Ser (NM_004012.4); short protein forms F1561S, F340S, F1676S, F1680S, F1684S, F343S.
Identifiers: ClinVar variation 2909730 (VCV002909730.3), dbSNP rs942881703, ClinGen allele CA327995288.